The following is an entry in ClinVar:

NM_032816.5(CEP89):c.226C>T (p.Arg76Trp)

Gene: CEP89 (centrosomal protein 89; minus strand). Cytogenetic location: 19q13.11.
Variant type: single nucleotide variant.
Coding change: c.226C>T on transcript NM_032816.5 (MANE Select); coding-DNA position 226, C replaced by T.
Protein change: p.Arg76Trp; replaces arginine 76 with tryptophan.
Molecular consequence: missense variant.
Genome position (GRCh38, 1-based): chr19:32,959,979, G>A on the plus strand (C>T on the coding strand, the complement: CEP89 is on the minus strand). VCF-style: chr19-32959979-G-A. GRCh37 (hg19) VCF-style: chr19-33450885-G-A.
Other names: short protein forms R76W.
Identifiers: ClinVar variation 2372741 (VCV002372741.5), dbSNP rs577457835, ClinGen allele CA9359868.

ClinVar aggregate classification (germline): Uncertain significance. Review status: criteria provided, multiple submitters, no conflicts (2 of 4 stars). 2 submissions from 2 submitters: Uncertain significance (2). Last evaluated 2024-05-20.

Allele frequency attached by ClinVar (database versions not stated): ExAC 0.00002; gnomAD 0.00003; 1000 Genomes Project 30x 0.00016; 1000 Genomes Project 0.00020.
gnomAD v4.1: 82 of 1,614,152 alleles (0.0051%); highest among the groups gnomAD compares: Middle Eastern, 0.016%; no homozygotes.

Submissions (2):

Ambry Genetics
Classification: Uncertain significance. Last evaluated: 2024-05-20. Review status: criteria provided, single submitter. Criteria: Ambry Variant Classification Scheme 2023. Collection method: clinical testing. Allele origin: germline.

Labcorp Genetics (formerly Invitae), Labcorp
Classification: Uncertain significance. Last evaluated: 2024-03-20. Review status: criteria provided, single submitter. Criteria: Invitae Variant Classification Sherloc (09022015). Collection method: clinical testing. Allele origin: germline.
Comment: This sequence change replaces arginine, which is basic and polar, with tryptophan, which is neutral and slightly polar, at codon 76 of the CEP89 protein (p.Arg76Trp). This variant is present in population databases (rs577457835, gnomAD 0.004%). This variant has not been reported in the literature in individuals affected with CEP89-related conditions. ClinVar contains an entry for this variant (Variation ID: 2372741). An algorithm developed to predict the effect of missense changes on protein structure and function (PolyPhen-2) suggests that this variant is likely to be disruptive. In summary, the available evidence is currently insufficient to determine the role of this variant in disease. Therefore, it has been classified as a Variant of Uncertain Significance.